The following is an entry in ClinVar:

ClinVar aggregate classification (germline): Pathogenic. Review status: reviewed by expert panel (3 of 4 stars). 5 submissions from 5 submitters: Pathogenic (1). 4 of the submissions do not count toward it. Last evaluated 2016-10-18.

Conditions:
BRCA1-related disorder. Also called: BRCA1-related condition.
Hereditary breast ovarian cancer syndrome. Also called: Breast and ovarian cancer; Hereditary breast and ovarian cancer; Hereditary breast and ovarian cancer syndrome; Hereditary breast and/or ovarian cancer syndrome; BRCA1- and BRCA2-Associated Hereditary Breast and Ovarian Cancer; Hereditary breast and ovarian cancer syndrome (HBOC). Identifiers: Orphanet 145, MedGen C0677776, MeSH D061325, MONDO:0003582. Disease mechanism: loss of function.
Breast-ovarian cancer, familial, susceptibility to, 1 (BROVCA1). Also called: BRCA1 Hereditary Breast and Ovarian Cancer; OVARIAN CANCER, SUSCEPTIBILITY TO. Identifiers: Orphanet 145, MedGen C2676676, MONDO:0011450, OMIM 604370. Disease mechanism: loss of function.
Hereditary cancer-predisposing syndrome. Also called: Tumor predisposition; Hereditary Cancer Syndrome; Neoplastic Syndromes, Hereditary; Hereditary neoplastic syndrome. Identifiers: Orphanet 140162, MedGen C0027672, MeSH D009386, MONDO:0015356.

Submissions (5):

Evidence-based Network for the Interpretation of Germline Mutant Alleles (ENIGMA)
Classification: Pathogenic for Breast-ovarian cancer, familial, susceptibility to, 1. Last evaluated: 2016-10-18. Review status: reviewed by expert panel. Criteria: ENIGMA BRCA1/2 Classification Criteria (2015). Collection method: curation. Allele origin: germline.
Comment: Variant allele predicted to encode a truncated non-functional protein.

Labcorp Genetics (formerly Invitae), Labcorp
Classification: Pathogenic for Hereditary breast ovarian cancer syndrome. Last evaluated: 2025-04-07. Review status: criteria provided, single submitter. Criteria: Invitae Variant Classification Sherloc (09022015). Collection method: clinical testing. Allele origin: germline. Not counted in ClinVar's aggregate classification.
Comment: This sequence change creates a premature translational stop signal (p.Glu907*) in the BRCA1 gene. It is expected to result in an absent or disrupted protein product. Loss-of-function variants in BRCA1 are known to be pathogenic (PMID: 20104584). This variant is not present in population databases (gnomAD no frequency). This premature translational stop signal has been observed in individual(s) with breast cancer and/or ovarian cancer (PMID: 28390335, 29446198, 31372034, 31742824). ClinVar contains an entry for this variant (Variation ID: 230485). For these reasons, this variant has been classified as Pathogenic.

Blueprint Genetics
Classification: Pathogenic for BRCA1-related disorders. Last evaluated: 2024-07-05. Review status: criteria provided, single submitter. Criteria: ACMG Guidelines, 2015. Collection method: clinical testing. Allele origin: germline. Affected: yes. Observed: 1 variant allele. Not counted in ClinVar's aggregate classification.

Ambry Genetics
Classification: Pathogenic for Hereditary cancer-predisposing syndrome. Last evaluated: 2023-10-11. Review status: criteria provided, single submitter. Criteria: Ambry Variant Classification Scheme 2023. Collection method: clinical testing. Allele origin: germline. Not counted in ClinVar's aggregate classification.
Comment: The p.E907* pathogenic mutation (also known as c.2719G>T), located in coding exon 9 of the BRCA1 gene, results from a G to T substitution at nucleotide position 2719. This changes the amino acid from a glutamic acid to a stop codon within coding exon 9. This mutation has been reported in a Spanish family as well as in a Sri Lankan family with hereditary breast cancer (Rebbeck TR et al. Hum. Mutat., 2018 May;39:593-620; Sirisena ND et al. Ceylon Med J, 2017 03;62:65-66). This variant is considered to be rare based on population cohorts in the Genome Aggregation Database (gnomAD). In addition to the clinical data presented in the literature, this alteration is expected to result in loss of function by premature protein truncation or nonsense-mediated mRNA decay. As such, this alteration is interpreted as a disease-causing mutation.

Consortium of Investigators of Modifiers of BRCA1/2 (CIMBA), c/o University of Cambridge
Classification: Pathogenic for Breast-ovarian cancer, familial, susceptibility to, 1. Last evaluated: 2015-10-02. Review status: criteria provided, single submitter. Criteria: CIMBA Mutation Classification guidelines May 2016. Collection method: clinical testing. Allele origin: germline. Not counted in ClinVar's aggregate classification.

Literature cited by the submitters: PubMed 20104584 (cited by Labcorp Genetics (formerly Invitae), Labcorp); PubMed 28390335 (cited by Labcorp Genetics (formerly Invitae), Labcorp and Ambry Genetics); PubMed 29446198 (cited by Labcorp Genetics (formerly Invitae), Labcorp and Ambry Genetics); PubMed 31372034 (cited by Labcorp Genetics (formerly Invitae), Labcorp); PubMed 31742824 (cited by Labcorp Genetics (formerly Invitae), Labcorp).

NM_007294.4(BRCA1):c.2719G>T (p.Glu907Ter)

Gene: BRCA1 (BRCA1 DNA repair associated; minus strand). Cytogenetic location: 17q21.31.
Variant type: single nucleotide variant.
Coding change: c.2719G>T on transcript NM_007294.4 (MANE Select); coding-DNA position 2719, G replaced by T.
Protein change: p.Glu907Ter; replaces glutamic acid 907 with a stop codon.
Molecular consequence: nonsense. On other transcripts: intron variant (137).
Genome position (GRCh38, 1-based): chr17:43,092,812, C>A on the plus strand (G>T on the coding strand, the complement: BRCA1 is on the minus strand). VCF-style: chr17-43092812-C-A. GRCh37 (hg19) VCF-style: chr17-41244829-C-A.
Other names: 2838G>T; c.710-1780G>T (NM_001408411.1, NM_001408415.1, NM_001408412.1 and 2 more transcripts); c.578-1780G>T (NM_001408514.1, NM_001408485.1, NM_001408483.1 and 9 more transcripts); c.662-1780G>T (NM_001408447.1, NM_001408433.1, NM_001408446.1 and 6 more transcripts); c.785-1780G>T (NM_001408400.1, NM_001408392.1, NM_001407986.1 and 13 more transcripts); c.665-1780G>T (NM_001408441.1, NM_001408437.1, NM_001408429.1 and 12 more transcripts); c.788-1780G>T (NM_001407979.1, NM_001407977.1, NM_001407982.1 and 17 more transcripts); c.647-1780G>T (NM_001408410.1, NM_001408458.1, NM_001408469.1 and 11 more transcripts); and 42 more; short protein forms E907*, E860*, E611*, E739*, E795*, E839*, E865*, E906*.
Identifiers: ClinVar variation 230485 (VCV000230485.15), dbSNP rs876658593, ClinGen allele CA10580603.
Genomic context (GRCh38, chr17:43,092,812, plus strand): 5'-CAGTGATATTAACTGTCTGTACAGGCTTGATATTAGACTCATTCTTTCCTTGATTTTCTT[C>A]CTTTTGTTCACATTCAAAAGTGACTTTTGGACTTTGTTTCTTTAAGGACCCAGAGTGGGC-3'